The following is an entry in ClinVar:

ClinVar aggregate classification (germline): Uncertain significance (1 of 4 stars; one submission).

Submission:

CeGaT Center for Human Genetics Tuebingen
Classification: Uncertain significance. Last evaluated: 2026-04-01. Review status: criteria provided, single submitter. Criteria: CeGaT Center For Human Genetics Tuebingen Variant Classification Criteria Version 2. Collection method: clinical testing. Allele origin: germline. Affected: yes. Observed: 1 variant allele.
Comment: HCN1: PM2, PP2, PP3

NM_021072.4(HCN1):c.1678C>A (p.Arg560Ser)

Gene: HCN1 (hyperpolarization activated cyclic nucleotide gated potassium channel 1; minus strand). Cytogenetic location: 5p12.
Variant type: single nucleotide variant.
Coding change: c.1678C>A on transcript NM_021072.4 (MANE Select); coding-DNA position 1678, C replaced by A.
Protein change: p.Arg560Ser; replaces arginine 560 with serine.
Molecular consequence: missense variant.
Genome position (GRCh38, 1-based): chr5:45,267,194, G>T on the plus strand (C>A on the coding strand, the complement: HCN1 is on the minus strand). VCF-style: chr5-45267194-G-T. GRCh37 (hg19) VCF-style: chr5-45267296-G-T.
Other names: short protein forms R560S.
Identifiers: ClinVar variation 4874664 (VCV004874664.2).
Genomic context (GRCh38, chr5:45,267,194, plus strand): 5'-TCATCATTGGATATTCCTCCAGGACCTCGTTGAAATTGTCCACGGAAAGTGAGTAAAGAC[G>T]ACAATATGTATCAGCTCGAACACTGGCAGTACGACGTCCTTTGGTCAGCAGGCAAATCTC-3'
Protein context (NP_066550.2, residues 550-570): TASVRADTYC[Arg560Ser]LYSLSVDNFN